The following is an entry in ClinVar:

ClinVar aggregate classification (germline): Uncertain significance (1 of 4 stars; one submission).

Conditions:
SEMA3E-related disorder. Also called: SEMA3E-related condition.

gnomAD v4.1: 3 of 1,613,880 alleles (0.00019%); highest among the groups gnomAD compares: South Asian, 0.0022%; no homozygotes.

Submission:

PreventionGenetics, part of Exact Sciences
Classification: Uncertain significance for SEMA3E-related condition. Last evaluated: 2026-04-07. Review status: criteria provided, single submitter. Criteria: ACMG Guidelines, 2015. Collection method: clinical testing. Allele origin: germline.
Comment: The SEMA3E c.1165G>A variant is predicted to result in the amino acid substitution p.Gly389Arg. To our knowledge, this variant has not been reported in the literature or in a large population database (gnomAD), indicating this variant is rare. At this time, the clinical significance of this variant is uncertain due to the absence of conclusive functional and genetic evidence.

NM_012431.3(SEMA3E):c.1165G>A (p.Gly389Arg)

Gene: SEMA3E (semaphorin 3E; minus strand). Cytogenetic location: 7q21.11.
Variant type: single nucleotide variant.
Coding change: c.1165G>A on transcript NM_012431.3 (MANE Select); coding-DNA position 1165, G replaced by A.
Protein change: p.Gly389Arg; replaces glycine 389 with arginine.
Molecular consequence: missense variant.
Genome position (GRCh38, 1-based): chr7:83,400,229, C>T on the plus strand (G>A on the coding strand, the complement: SEMA3E is on the minus strand). VCF-style: chr7-83400229-C-T. GRCh37 (hg19) VCF-style: chr7-83029545-C-T.
Other names: c.985G>A, p.Gly329Arg (NM_001178129.2); short protein forms G389R, G329R.
Identifiers: ClinVar variation 4995781 (VCV004995781.1).